The following is an entry in ClinVar:

NM_001378454.1(ALMS1):c.165C>G (p.Asp55Glu)

Gene: ALMS1 (ALMS1 centrosome and basal body associated protein; plus strand). Cytogenetic location: 2p13.1.
Variant type: single nucleotide variant.
Coding change: c.165C>G on transcript NM_001378454.1 (MANE Select); coding-DNA position 165, C replaced by G.
Protein change: p.Asp55Glu; replaces aspartic acid 55 with glutamic acid.
Molecular consequence: missense variant.
Genome position (GRCh38, 1-based): chr2:73,386,033, C>G. VCF-style: chr2-73386033-C-G. GRCh37 (hg19) VCF-style: chr2-73613161-C-G.
Other names: c.168C>G, p.Asp56Glu (NM_015120.4); short protein forms D55E, D56E.
Identifiers: ClinVar variation 1305908 (VCV001305908.2), dbSNP rs779615407, ClinGen allele CA347250741.

ClinVar aggregate classification (germline): Uncertain significance (1 of 4 stars; one submission).

Submission:

GeneDx
Classification: Uncertain significance. Last evaluated: 2019-05-15. Review status: criteria provided, single submitter. Criteria: GeneDx Variant Classification Process June 2021. Collection method: clinical testing. Allele origin: germline. Affected: yes.
Comment: Not observed in large population cohorts (Lek et al., 2016); In silico analysis, which includes protein predictors and evolutionary conservation, supports that this variant does not alter protein structure/function; Has not been previously published as pathogenic or benign to our knowledge